The following is an entry in ClinVar:

NM_016219.5(MAN1B1):c.1474G>A (p.Glu492Lys)

Gene: MAN1B1 (mannosidase alpha class 1B member 1; plus strand). Cytogenetic location: 9q34.3.
Variant type: single nucleotide variant.
Coding change: c.1474G>A on transcript NM_016219.5 (MANE Select); coding-DNA position 1474, G replaced by A.
Protein change: p.Glu492Lys; replaces glutamic acid 492 with lysine.
Molecular consequence: missense variant. On other transcripts: non-coding transcript variant (2).
Genome position (GRCh38, 1-based): chr9:137,106,717, G>A. VCF-style: chr9-137106717-G-A. GRCh37 (hg19) VCF-style: chr9-140001169-G-A.
Other names: c.1366G>A, p.Glu456Lys (NM_007230.1); c.1474G>A (NM_016219.3); short protein forms E456K, E492K.
Identifiers: ClinVar variation 2151188 (VCV002151188.5), dbSNP rs775259244, ClinGen allele CA5359244.

ClinVar aggregate classification (germline): Uncertain significance. Review status: criteria provided, multiple submitters, no conflicts (2 of 4 stars). 2 submissions from 2 submitters: Uncertain significance (2). Last evaluated 2025-03-14.

Conditions:
Rafiq syndrome (RAFQS). Identifiers: Orphanet 88616, MedGen C3280127, MONDO:0013624, OMIM 614202.
Inborn genetic diseases. Identifiers: MedGen C0950123, MeSH D030342.

Allele frequency attached by ClinVar (database versions not stated): ExAC 0.00001.
gnomAD v4.1: 11 of 1,613,408 alleles (0.00068%); highest among the groups gnomAD compares: East Asian, 0.0045%; no homozygotes.

Submissions (2):

Ambry Genetics
Classification: Uncertain significance for Inborn genetic diseases. Last evaluated: 2025-03-14. Review status: criteria provided, single submitter. Criteria: Ambry Variant Classification Scheme 2023. Collection method: clinical testing. Allele origin: germline.

Labcorp Genetics (formerly Invitae), Labcorp
Classification: Uncertain significance for Rafiq syndrome. Last evaluated: 2022-11-28. Review status: criteria provided, single submitter. Criteria: Invitae Variant Classification Sherloc (09022015). Collection method: clinical testing. Allele origin: germline.
Comment: This variant is present in population databases (rs775259244, gnomAD 0.01%). This variant has not been reported in the literature in individuals affected with MAN1B1-related conditions. Algorithms developed to predict the effect of missense changes on protein structure and function (SIFT, PolyPhen-2, Align-GVGD) all suggest that this variant is likely to be tolerated. In summary, the available evidence is currently insufficient to determine the role of this variant in disease. Therefore, it has been classified as a Variant of Uncertain Significance. This sequence change replaces glutamic acid, which is acidic and polar, with lysine, which is basic and polar, at codon 492 of the MAN1B1 protein (p.Glu492Lys).